The following is an entry in ClinVar:

NM_001184880.2(PCDH19):c.1549G>A (p.Ala517Thr)

Gene: PCDH19 (protocadherin 19; minus strand). Cytogenetic location: Xq22.1.
Variant type: single nucleotide variant.
Coding change: c.1549G>A on transcript NM_001184880.2 (MANE Select); coding-DNA position 1549, G replaced by A.
Protein change: p.Ala517Thr; replaces alanine 517 with threonine.
Molecular consequence: missense variant.
Genome position (GRCh38, 1-based): chrX:100,407,049, C>T on the plus strand (G>A on the coding strand, the complement: PCDH19 is on the minus strand). VCF-style: chrX-100407049-C-T. GRCh37 (hg19) VCF-style: chrX-99662047-C-T.
Other names: c.1549G>A, p.Ala517Thr (NM_001105243.2, NM_020766.3); short protein forms A517T.
Identifiers: ClinVar variation 870165 (VCV000870165.26), dbSNP rs778072039, ClinGen allele CA10468870.

ClinVar aggregate classification (germline): Conflicting classifications of pathogenicity. Review status: criteria provided, conflicting classifications (1 of 4 stars). 5 submissions from 5 submitters: Uncertain significance (4); Likely benign (1). Last evaluated 2025-07-21.

Conditions:
Inborn genetic diseases. Identifiers: MedGen C0950123, MeSH D030342.
Developmental and epileptic encephalopathy, 9 (DEE9). Also called: PCDH19-Related X-Linked Female-Limited Epilepsy with Mental Retardation; EPILEPSY, FEMALE-RESTRICTED, WITH MENTAL RETARDATION; JUBERG-HELLMAN SYNDROME; Early infantile epileptic encephalopathy 9. Identifiers: Orphanet 101039, Orphanet 2076, MedGen C1848137, MONDO:0010246, OMIM 300088. Disease mechanism: loss of function.

Allele frequency attached by ClinVar (database versions not stated): ExAC 0.00001; gnomAD exomes 0.00001; TOPMed 0.00001.
gnomAD v4.1: 15 of 1,211,436 alleles (0.0012%); highest among the groups gnomAD compares: Non-Finnish European, 0.0017%; no homozygotes.

Submissions (5):

Labcorp Genetics (formerly Invitae), Labcorp
Classification: Uncertain significance for Developmental and epileptic encephalopathy, 9. Last evaluated: 2025-07-21. Review status: criteria provided, single submitter. Criteria: Invitae Variant Classification Sherloc (09022015). Collection method: clinical testing. Allele origin: germline.
Comment: This sequence change replaces alanine, which is neutral and non-polar, with threonine, which is neutral and polar, at codon 517 of the PCDH19 protein (p.Ala517Thr). This variant is present in population databases (rs778072039, gnomAD 0.002%). This missense change has been observed in individual(s) with PCDH19-related conditions (PMID: 32105270, 36011376). ClinVar contains an entry for this variant (Variation ID: 870165). Invitae Evidence Modeling of protein sequence and biophysical properties (such as structural, functional, and spatial information, amino acid conservation, physicochemical variation, residue mobility, and thermodynamic stability) has been performed for this missense variant. However, the output from this modeling did not meet the statistical confidence thresholds required to predict the impact of this variant on PCDH19 protein function. In summary, the available evidence is currently insufficient to determine the role of this variant in disease. Therefore, it has been classified as a Variant of Uncertain Significance.

Ambry Genetics
Classification: Likely benign for Inborn genetic diseases. Last evaluated: 2025-06-05. Review status: criteria provided, single submitter. Criteria: Ambry Variant Classification Scheme 2023. Collection method: clinical testing. Allele origin: germline.

CeGaT Center for Human Genetics Tuebingen
Classification: Uncertain significance. Last evaluated: 2024-06-01. Review status: criteria provided, single submitter. Criteria: CeGaT Center For Human Genetics Tuebingen Variant Classification Criteria Version 2. Collection method: clinical testing. Allele origin: germline. Affected: yes. Observed: 1 variant allele.

Blueprint Genetics
Classification: Uncertain significance. Last evaluated: 2024-03-13. Review status: criteria provided, single submitter. Criteria: ACMG Guidelines, 2015. Collection method: clinical testing. Allele origin: germline.

Laboratory of Inherited Metabolic Diseases, Research centre for medical genetics
Classification: Uncertain significance for Developmental and epileptic encephalopathy, 9. Last evaluated: 2020-02-14. Review status: criteria provided, single submitter. Criteria: ACMG Guidelines, 2015. Collection method: clinical testing. Allele origin: unknown. Inheritance: Sex-limited autosomal dominant. Affected: yes.

Literature cited by the submitters: PubMed 32105270 (cited by Labcorp Genetics (formerly Invitae), Labcorp); PubMed 36011376 (cited by Labcorp Genetics (formerly Invitae), Labcorp).